The following is an entry in ClinVar:

NM_133433.4(NIPBL):c.3148G>T (p.Glu1050Ter)

Gene: NIPBL (NIPBL cohesin loading factor; plus strand). Cytogenetic location: 5p13.2.
Variant type: single nucleotide variant.
Coding change: c.3148G>T on transcript NM_133433.4 (MANE Select); coding-DNA position 3148, G replaced by T.
Protein change: p.Glu1050Ter; replaces glutamic acid 1050 with a stop codon.
Molecular consequence: nonsense.
Genome position (GRCh38, 1-based): chr5:36,995,648, G>T. VCF-style: chr5-36995648-G-T. GRCh37 (hg19) VCF-style: chr5-36995750-G-T.
Other names: c.3148G>T, p.Glu1050Ter (NM_015384.5); short protein forms E1050*.
Identifiers: ClinVar variation 476586 (VCV000476586.8), dbSNP rs1554019667, ClinGen allele CA359513406.
Genomic context (GRCh38, chr5:36,995,648, plus strand): 5'-ACATTTTTTTTTTAAATTTACCTTTCATTAATAGGTAGTATAGATCAATCAGTGTTAAAA[G>T]AATTACCCCCTGAACTCCTGGCAGAAATTGAGTCCACCATGCCACTTTGTGAACGTGTGA-3'

ClinVar aggregate classification (germline): Pathogenic (1 of 4 stars; one submission).

Conditions:
Cornelia de Lange syndrome 1 (CDLS1). Also called: Brachmann de Lange syndrome; TYPUS DEGENERATIVUS AMSTELODAMENSIS; NIPBL-Related Cornelia de Lange Syndrome. Identifiers: Orphanet 199, MedGen C4551851, MONDO:0007387, OMIM 122470.

Submission:

Labcorp Genetics (formerly Invitae), Labcorp
Classification: Pathogenic for Cornelia de Lange syndrome 1. Last evaluated: 2019-10-31. Review status: criteria provided, single submitter. Criteria: Invitae Variant Classification Sherloc (09022015). Collection method: clinical testing. Allele origin: germline.
Comment: This sequence change creates a premature translational stop signal (p.Glu1050*) in the NIPBL gene. It is expected to result in an absent or disrupted protein product. This variant is not present in population databases (ExAC no frequency). This variant has not been reported in the literature in individuals with an NIPBL-related disease. Loss-of-function variants in NIPBL are known to be pathogenic (PMID: 24038889). For these reasons, this variant has been classified as Pathogenic.

Literature cited by the submitters: PubMed 24038889.